The following is an entry in ClinVar:

ClinVar aggregate classification (germline): Pathogenic (1 of 4 stars; one submission).

Submission:

Labcorp Genetics (formerly Invitae), Labcorp
Classification: Pathogenic. Last evaluated: 2021-12-30. Review status: criteria provided, single submitter. Criteria: Invitae Variant Classification Sherloc (09022015). Collection method: clinical testing. Allele origin: germline.
Comment: This sequence change creates a premature translational stop signal (p.Glu216Argfs*36) in the LZTR1 gene. It is expected to result in an absent or disrupted protein product. Loss-of-function variants in LZTR1 are known to be pathogenic (PMID: 24362817, 25335493, 25480913, 25795793, 29469822, 30442762, 30442766, 30481304, 30859559). This variant is not present in population databases (gnomAD no frequency). This variant has not been reported in the literature in individuals affected with LZTR1-related conditions. For these reasons, this variant has been classified as Pathogenic.

Literature cited by the submitters: PubMed 24362817; PubMed 25335493; PubMed 25480913; PubMed 25795793; PubMed 29469822; PubMed 30442762; PubMed 30442766; PubMed 30481304; PubMed 30859559.

NM_006767.4(LZTR1):c.646del (p.Glu216fs)

Gene: LZTR1 (leucine zipper like post translational regulator 1; plus strand). Cytogenetic location: 22q11.21.
Variant type: Deletion.
Coding change: c.646del on transcript NM_006767.4 (MANE Select); coding-DNA position 646, one base deleted (G; older notation c.646delG).
Protein change: p.Glu216fs; shifts the reading frame from glutamic acid 216.
Molecular consequence: frameshift variant.
Genome position (GRCh38, 1-based): chr22:20,989,677, G deleted; the last of 3 consecutive G bases (chr22:20,989,675-20,989,677); deleting any one gives the same sequence. VCF-style (leftmost placement, unchanged base first): chr22-20989674-TG-T. GRCh37 (hg19) VCF-style: chr22-21343963-TG-T.
Other names: short protein forms E216fs.
Identifiers: ClinVar variation 1418152 (VCV001418152.6), dbSNP rs2147963355, ClinGen allele CA2573157795.
Genomic context (GRCh38, chr22:20,989,674, plus strand): 5'-TCCTAATACAGGTTGAATGACATGTGGACAATTGGCCTCCAGGACCGAGAGCTCACCTGC[TG>T]GGAGGAGGTGAGGGGCGTGGGGAGCCAGGGCGCAGGTAGAGGAGGTGAGGGGCACGGGGA-3'